The following is an entry in ClinVar:

NM_014846.4(WASHC5):c.3209C>T (p.Pro1070Leu)

Genes: WASHC5 (WASH complex subunit 5; minus strand), LOC126860498 (P300/CBP strongly-dependent group 1 enhancer GRCh37_chr8:126043836-126045035; plus strand). Cytogenetic location: 8q24.13.
Variant type: single nucleotide variant.
Coding change: c.3209C>T on transcript NM_014846.4 (MANE Select); coding-DNA position 3209, C replaced by T.
Protein change: p.Pro1070Leu; replaces proline 1070 with leucine.
Molecular consequence: missense variant.
Genome position (GRCh38, 1-based): chr8:125,032,367, G>A on the plus strand (C>T on the coding strand, the complement: WASHC5 is on the minus strand). VCF-style: chr8-125032367-G-A. GRCh37 (hg19) VCF-style: chr8-126044609-G-A.
Other names: c.2765C>T, p.Pro922Leu (NM_001330609.2); short protein forms P922L, P1070L.
Identifiers: ClinVar variation 1986890 (VCV001986890.4), dbSNP rs779799736, ClinGen allele CA4873278.

ClinVar aggregate classification (germline): Uncertain significance (1 of 4 stars; one submission).

Conditions:
Hereditary spastic paraplegia 8 (SPG8). Also called: SPASTIC PARAPLEGIA 8, AUTOSOMAL DOMINANT. Identifiers: Orphanet 100989, MedGen C1863704, MONDO:0011339, OMIM 603563.
Ritscher-Schinzel syndrome. Also called: CRANIOCEREBELLOCARDIAC DYSPLASIA. Identifiers: Orphanet 7, MedGen C0796137, MONDO:0019078.

Allele frequency attached by ClinVar (database versions not stated): gnomAD exomes 0.00001; ExAC 0.00006; gnomAD 0.00001.
gnomAD v4.1: 15 of 1,613,954 alleles (0.00093%); highest among the groups gnomAD compares: Admixed American, 0.01%; no homozygotes.

Submission:

Labcorp Genetics (formerly Invitae), Labcorp
Classification: Uncertain significance for Ritscher-Schinzel syndrome; Hereditary spastic paraplegia 8. Last evaluated: 2022-06-14. Review status: criteria provided, single submitter. Criteria: Invitae Variant Classification Sherloc (09022015). Collection method: clinical testing. Allele origin: germline.
Comment: In summary, the available evidence is currently insufficient to determine the role of this variant in disease. Therefore, it has been classified as a Variant of Uncertain Significance. Algorithms developed to predict the effect of missense changes on protein structure and function (SIFT, PolyPhen-2, Align-GVGD) all suggest that this variant is likely to be tolerated. This variant has not been reported in the literature in individuals affected with WASHC5-related conditions. This variant is present in population databases (rs779799736, gnomAD 0.01%). This sequence change replaces proline, which is neutral and non-polar, with leucine, which is neutral and non-polar, at codon 1070 of the WASHC5 protein (p.Pro1070Leu).